The following is an entry in ClinVar:

ClinVar aggregate classification (germline): Uncertain significance (1 of 4 stars; one submission).

Conditions:
Neuropathy, hereditary sensory, type 2C. Also called: KIF1A-Related HSAN2 (HSAN2C); Hereditary sensory and autonomic neuropathy type IIC. Identifiers: Orphanet 970, MedGen C3280168, MONDO:0013634, OMIM 614213.
Hereditary spastic paraplegia 30. Identifiers: Orphanet 101010, MedGen C5235139, MONDO:0012476.
Intellectual disability, autosomal dominant 9 (NESCAVS). Also called: NESCAV SYNDROME; KIF1A-Related Neurodevelopmental Disorder. Identifiers: Orphanet 662367, MedGen C5393830, MONDO:0013656, OMIM 614255.

gnomAD v4.1: 1 of 1,611,238 alleles (0.000062%); highest among the groups gnomAD compares: Non-Finnish European, 0.000085%; no homozygotes.

Submission:

Labcorp Genetics (formerly Invitae), Labcorp
Classification: Uncertain significance for Hereditary spastic paraplegia 30; Neuropathy, hereditary sensory, type 2C; Intellectual disability, autosomal dominant 9. Last evaluated: 2023-04-09. Review status: criteria provided, single submitter. Criteria: Invitae Variant Classification Sherloc (09022015). Collection method: clinical testing. Allele origin: germline.
Comment: In summary, the available evidence is currently insufficient to determine the role of this variant in disease. Therefore, it has been classified as a Variant of Uncertain Significance. Advanced modeling of protein sequence and biophysical properties (such as structural, functional, and spatial information, amino acid conservation, physicochemical variation, residue mobility, and thermodynamic stability) performed at Invitae indicates that this missense variant is not expected to disrupt KIF1A protein function. This variant has not been reported in the literature in individuals affected with KIF1A-related conditions. This variant is not present in population databases (gnomAD no frequency). This sequence change replaces proline, which is neutral and non-polar, with arginine, which is basic and polar, at codon 1587 of the KIF1A protein (p.Pro1587Arg).

NM_001244008.2(KIF1A):c.5063C>G (p.Pro1688Arg)

Gene: KIF1A (kinesin family member 1A; minus strand). Cytogenetic location: 2q37.3.
Variant type: single nucleotide variant.
Coding change: c.5063C>G on transcript NM_001244008.2 (MANE Select); coding-DNA position 5063, C replaced by G.
Protein change: p.Pro1688Arg; replaces proline 1688 with arginine.
Molecular consequence: missense variant.
Genome position (GRCh38, 1-based): chr2:240,719,157, G>C on the plus strand (C>G on the coding strand, the complement: KIF1A is on the minus strand). VCF-style: chr2-240719157-G-C. GRCh37 (hg19) VCF-style: chr2-241658574-G-C.
Other names: c.4787C>G, p.Pro1596Arg (NM_001320705.2, NM_001379649.1); c.4814C>G, p.Pro1605Arg (NM_001330289.2); c.4862C>G, p.Pro1621Arg (NM_001330290.2, NM_001379648.1); c.5138C>G, p.Pro1713Arg (NM_001379631.1); c.5039C>G, p.Pro1680Arg (NM_001379632.1); c.5036C>G, p.Pro1679Arg (NM_001379633.1, NM_001379645.1); c.4889C>G, p.Pro1630Arg (NM_001379634.1); c.4886C>G, p.Pro1629Arg (NM_001379635.1, NM_001379646.1); and 7 more; short protein forms P1604R, P1621R, P1629R, P1679R, P1680R, P1688R, P1587R, P1596R.
Identifiers: ClinVar variation 2941560 (VCV002941560.3), dbSNP rs549560429, ClinGen allele CA351298778.